The following is an entry in ClinVar:

ClinVar aggregate classification (germline): Uncertain significance. Review status: criteria provided, multiple submitters, no conflicts (2 of 4 stars). 2 submissions from 2 submitters: Uncertain significance (2). Last evaluated 2026-06-25.

Conditions:
Hereditary cancer-predisposing syndrome. Also called: Hereditary Cancer Syndrome; Hereditary neoplastic syndrome; Neoplastic Syndromes, Hereditary; Tumor predisposition. Identifiers: Orphanet 140162, MedGen C0027672, MeSH D009386, MONDO:0015356.
Hereditary nonpolyposis colorectal neoplasms. Identifiers: MedGen C0009405, MeSH D003123.

Submissions (2):

Ambry Genetics
Classification: Uncertain significance for Hereditary cancer-predisposing syndrome. Last evaluated: 2026-06-25. Review status: criteria provided, single submitter. Criteria: Ambry Variant Classification Scheme 2023. Collection method: clinical testing. Allele origin: germline.
Comment: The c.4040_4042delCTG variant (also known as p.A1347del) is located in coding exon 10 of the MSH6 gene. This variant results from an in-frame CTG deletion at nucleotide positions 4040 to 4042. This results in the in-frame deletion of an alanine at codon 1347. This amino acid position is not well conserved in available vertebrate species. In addition, this variant is predicted to be neutral by in silico analysis (Choi Y et al. PLoS ONE. 2012; 7(10):e46688). Based on the available evidence, the clinical significance of this variant remains unclear.

Labcorp Genetics (formerly Invitae), Labcorp
Classification: Uncertain significance for Hereditary nonpolyposis colorectal neoplasms. Last evaluated: 2025-07-24. Review status: criteria provided, single submitter. Criteria: Invitae Variant Classification Sherloc (09022015). Collection method: clinical testing. Allele origin: germline.
Comment: This variant, c.4040_4042del, results in the deletion of 1 amino acid(s) of the MSH6 protein (p.Ala1347del), but otherwise preserves the integrity of the reading frame. This variant is not present in population databases (gnomAD no frequency). This variant has not been reported in the literature in individuals affected with MSH6-related conditions. Experimental studies and prediction algorithms are not available or were not evaluated, and the functional significance of this variant is currently unknown. In summary, the available evidence is currently insufficient to determine the role of this variant in disease. Therefore, it has been classified as a Variant of Uncertain Significance.

NM_000179.3(MSH6):c.4040_4042del (p.Ala1347del)

Gene: MSH6 (mutS homolog 6; plus strand). Cytogenetic location: 2p16.3.
Variant type: Deletion.
Coding change: c.4040_4042del on transcript NM_000179.3 (MANE Select); coding-DNA positions 4040 to 4042, 3 bases deleted (CTG; older notation c.4040_4042delCTG).
Protein change: p.Ala1347del; deletes alanine 1347.
Molecular consequence: inframe deletion. On other transcripts: 3 prime UTR variant (5), non-coding transcript variant (5).
Genome position (GRCh38, 1-based): chr2:47,806,817-47,806,819, CTG deleted; deleting any 3 consecutive bases within chr2:47,806,815-47,806,819 gives the same sequence; the c. name uses the placement nearest the transcript's 3' end. VCF-style (leftmost placement, unchanged base first): chr2-47806814-ATGC-A. GRCh37 (hg19) VCF-style: chr2-48033953-ATGC-A.
Other names: c.*21_*23del (NM_001406802.1, NM_001406808.1, NM_001406801.1 and 1 more transcripts); c.3176_3178del, p.Ala1059del (NM_001406803.1); c.3962_3964del, p.Ala1321del (NM_001406804.1); c.3743_3745del, p.Ala1248del (NM_001406805.1, NM_001406797.1, NM_001406818.1 and 8 more transcripts); c.3515_3517del, p.Ala1172del (NM_001406806.1, NM_001406807.1, NM_001406799.1); c.4040_4042del, p.Ala1347del (NM_001406809.1, NM_001406796.1); c.3134_3136del, p.Ala1045del (NM_001406811.1, NM_001406812.1, NM_001281493.2 and 6 more transcripts); c.4136_4138del, p.Ala1379del (NM_001406795.1); and 9 more; short protein forms A1347del, A1349del, A1059del, A274del, A1248del, A1289del, A296del, A825del.
Identifiers: ClinVar variation 4723950 (VCV004723950.2).